The following is an entry in ClinVar:

NM_007294.4(BRCA1):c.4922C>G (p.Ala1641Gly)

Gene: BRCA1 (BRCA1 DNA repair associated; minus strand). Cytogenetic location: 17q21.31.
Variant type: single nucleotide variant.
Coding change: c.4922C>G on transcript NM_007294.4 (MANE Select); coding-DNA position 4922, C replaced by G.
Protein change: p.Ala1641Gly; replaces alanine 1641 with glycine.
Molecular consequence: missense variant. On other transcripts: non-coding transcript variant (1).
Genome position (GRCh38, 1-based): chr17:43,070,992, G>C on the plus strand (C>G on the coding strand, the complement: BRCA1 is on the minus strand). VCF-style: chr17-43070992-G-C. GRCh37 (hg19) VCF-style: chr17-41223009-G-C.
Other names: c.4775C>G, p.Ala1592Gly (NM_001407851.1, NM_001407852.1, NM_001407844.1 and 12 more transcripts); c.4712C>G, p.Ala1571Gly (NM_001407879.1, NM_001407881.1, NM_001407882.1 and 5 more transcripts); c.4709C>G, p.Ala1570Gly (NM_001407894.1, NM_001407908.1, NM_001407909.1 and 12 more transcripts); c.4706C>G, p.Ala1569Gly (NM_001407915.1, NM_001407916.1, NM_001407917.1 and 1 more transcripts); c.4799C>G, p.Ala1600Gly (NM_001407919.1, NM_001407937.1, NM_001407938.1 and 6 more transcripts); c.4658C>G, p.Ala1553Gly (NM_001407920.1, NM_001407921.1, NM_001407922.1 and 4 more transcripts); c.4655C>G, p.Ala1552Gly (NM_001407931.1, NM_001407932.1, NM_001407933.1 and 4 more transcripts); c.4652C>G, p.Ala1551Gly (NM_001407934.1, NM_001407935.1, NM_001407936.1); and 70 more; short protein forms A537G, A1594G, A1641G, A1662G, A1487G, A1513G, A1530G, A1551G.
Identifiers: ClinVar variation 868411 (VCV000868411.3), dbSNP rs1597830578, ClinGen allele CA10591677.

Conditions:
Breast-ovarian cancer, familial, susceptibility to, 1 (BROVCA1). Also called: BRCA1 Hereditary Breast and Ovarian Cancer; OVARIAN CANCER, SUSCEPTIBILITY TO. Identifiers: Orphanet 145, MedGen C2676676, MONDO:0011450, OMIM 604370. Disease mechanism: loss of function.

Submission:

Brotman Baty Institute, University of Washington
No classification provided (evidence only). Condition: Breast-ovarian cancer, familial 1. Review status: no classification provided. Collection method: in vitro. Allele origin: not applicable. Functional consequence: functionally_normal.
ClinVar note: "not provided" was previously submitted as the classification for the variant. However, the classification appeared to be based only on an observation of functional data so it was converted to no classification on 2025-07-30.